The following is an entry in ClinVar:

NM_014679.5(CEP57):c.607C>G (p.Gln203Glu)

Gene: CEP57 (centrosomal protein 57; plus strand). Cytogenetic location: 11q21.
Variant type: single nucleotide variant.
Coding change: c.607C>G on transcript NM_014679.5 (MANE Select); coding-DNA position 607, C replaced by G.
Protein change: p.Gln203Glu; replaces glutamine 203 with glutamic acid.
Molecular consequence: missense variant. On other transcripts: intron variant (7).
Genome position (GRCh38, 1-based): chr11:95,817,889, C>G. VCF-style: chr11-95817889-C-G. GRCh37 (hg19) VCF-style: chr11-95551053-C-G.
Other names: c.580C>G, p.Gln194Glu (NM_001243776.2); c.607C>G, p.Gln203Glu (NM_001243777.2, NM_001440871.1, NM_001440874.1); c.526C>G, p.Gln176Glu (NM_001363604.2, NM_001440869.1, NM_001440870.1 and 1 more transcripts); c.427C>G, p.Gln143Glu (NM_001440873.1); c.346C>G, p.Gln116Glu (NM_001440880.1); c.424-938C>G (NM_001440877.1, NM_001440878.1); c.505-938C>G (NM_001440872.1, NM_001440876.1, NM_001440879.1 and 1 more transcripts); c.325-938C>G (NM_001440881.1); short protein forms Q116E, Q143E, Q176E, Q194E, Q203E.
Identifiers: ClinVar variation 4868749 (VCV004868749.1).

ClinVar aggregate classification (germline): Uncertain significance (1 of 4 stars; one submission).

Conditions:
Inborn genetic diseases. Identifiers: MedGen C0950123, MeSH D030342.

Submission:

Ambry Genetics
Classification: Uncertain significance for Inborn genetic diseases. Last evaluated: 2026-04-04. Review status: criteria provided, single submitter. Criteria: Ambry Variant Classification Scheme 2023. Collection method: clinical testing. Allele origin: germline.
Comment: The p.Q203E variant (also known as c.607C>G), located in coding exon 5 of the CEP57 gene, results from a C to G substitution at nucleotide position 607. The glutamine at codon 203 is replaced by glutamic acid, an amino acid with highly similar properties. This amino acid position is conserved. In addition, the in silico prediction for this alteration is inconclusive. Based on the available evidence, the clinical significance of this variant remains unclear.